The following is an entry in ClinVar:

NM_001348768.2(HECW2):c.2229G>T (p.Leu743=)

Gene: HECW2 (HECT, C2 and WW domain containing E3 ubiquitin protein ligase 2; minus strand). Cytogenetic location: 2q32.3.
Variant type: single nucleotide variant.
Coding change: c.2229G>T on transcript NM_001348768.2 (MANE Select); coding-DNA position 2229, G replaced by T.
Protein change: p.Leu743=; no amino-acid change (leucine 743 retained).
Molecular consequence: synonymous variant.
Genome position (GRCh38, 1-based): chr2:196,318,661, C>A on the plus strand (G>T on the coding strand, the complement: HECW2 is on the minus strand). VCF-style: chr2-196318661-C-A. GRCh37 (hg19) VCF-style: chr2-197183385-C-A.
Other names: c.1161G>T, p.Leu387= (NM_001304840.3); c.2229G>T, p.Leu743= (NM_020760.4).
Identifiers: ClinVar variation 720341 (VCV000720341.7), dbSNP rs138073304, ClinGen allele CA2038163.

ClinVar aggregate classification (germline): Benign/Likely benign. Review status: criteria provided, multiple submitters, no conflicts (2 of 4 stars). 4 submissions from 4 submitters: Benign (2); Likely benign (1). 1 of the submissions does not count toward it. Last evaluated 2024-10-18.

Conditions:
HECW2-related disorder. Also called: HECW2-related condition.

Allele frequency attached by ClinVar (database versions not stated): gnomAD exomes 0.00050; ExAC 0.00057; ESP Exome Variant Server 0.00131; gnomAD 0.00210; TOPMed 0.00212; 1000 Genomes Project 30x 0.00359; 1000 Genomes Project 0.00379.
gnomAD v4.1: 571 of 1,601,562 alleles (0.036%); highest among the groups gnomAD compares: African/African-American, 0.65%; 1 homozygote.

Submissions (4):

Blueprint Genetics
Classification: Likely benign. Last evaluated: 2024-10-18. Review status: criteria provided, single submitter. Criteria: ACMG Guidelines, 2015. Collection method: clinical testing. Allele origin: germline.

Labcorp Genetics (formerly Invitae), Labcorp
Classification: Benign. Last evaluated: 2018-07-15. Review status: criteria provided, single submitter. Criteria: Invitae Variant Classification Sherloc (09022015). Collection method: clinical testing. Allele origin: germline.

Breakthrough Genomics
Classification: Benign. Review status: criteria provided, single submitter. Criteria: ACMG Guidelines, 2015. Collection method: not provided. Allele origin: germline. Inheritance: Autosomal dominant inheritance. Affected: yes.

PreventionGenetics, part of Exact Sciences
Classification: Benign for HECW2-related condition. Last evaluated: 2019-06-14. Review status: no assertion criteria provided. Collection method: clinical testing. Allele origin: germline. Not counted in ClinVar's aggregate classification.
Comment: This variant is classified as benign based on ACMG/AMP sequence variant interpretation guidelines (Richards et al. 2015 PMID: 25741868, with internal and published modifications).